The following is an entry in ClinVar:

NM_006231.4(POLE):c.-29C>G

Genes: POLE (DNA polymerase epsilon, catalytic subunit; minus strand), LOC130009266 (ATAC-STARR-seq lymphoblastoid silent region 5123; plus strand). Cytogenetic location: 12q24.33.
Variant type: single nucleotide variant.
Coding change: c.-29C>G on transcript NM_006231.4 (MANE Select); 29 bases upstream of the start codon, C replaced by G.
Genome position (GRCh38, 1-based): chr12:132,687,344, G>C on the plus strand (C>G on the coding strand, the complement: POLE is on the minus strand). VCF-style: chr12-132687344-G-C. GRCh37 (hg19) VCF-style: chr12-133263930-G-C.
Identifiers: ClinVar variation 381783 (VCV000381783.6), dbSNP rs571026345, ClinGen allele CA6894477.
Genomic context (GRCh38, chr12:132,687,344, plus strand): 5'-GCGCGCCGCCGCCCGCCGCTCCTCAGAGACATGGAGCCGTTGGCTACCACCTCTGCTTCA[G>C]GGGAGAAATTTGGCGCGCTCCCACCCAGACTCGCGAGAGCCGGAAATGCCGCCGTCCATC-3'

ClinVar aggregate classification (germline): Likely benign. Review status: criteria provided, multiple submitters, no conflicts (2 of 4 stars). 3 submissions from 3 submitters: Likely benign (3). Last evaluated 2025-03-04.

Conditions:
Colorectal cancer, susceptibility to, 12 (CRCS12). Also called: COLORECTAL CANCER, SUSCEPTIBILITY TO, ON CHROMOSOME 12q24. Identifiers: Orphanet 220460, MedGen C3554460, MONDO:0014038, OMIM 615083.

Allele frequency attached by ClinVar (database versions not stated): ExAC 0.00037; gnomAD exomes 0.00060; gnomAD 0.00269 and 0.00281; TOPMed 0.00295; 1000 Genomes Project 0.00359; 1000 Genomes Project 30x 0.00359.

Submissions (3):

Center for Genomic Medicine, Rigshospitalet, Copenhagen University Hospital
Classification: Likely benign. Last evaluated: 2025-03-04. Review status: criteria provided, single submitter. Criteria: ACMG Guidelines, 2015. Collection method: clinical testing. Allele origin: germline.

KCCC/NGS Laboratory, Kuwait Cancer Control Center
Classification: Likely benign for Colorectal cancer, susceptibility to, 12. Last evaluated: 2023-07-07. Review status: criteria provided, single submitter. Criteria: ACMG Guidelines, 2015. Collection method: clinical testing. Allele origin: germline. Affected: yes.

GeneDx
Classification: Likely benign. Last evaluated: 2017-07-19. Review status: criteria provided, single submitter. Criteria: GeneDx Variant Classification (06012015). Collection method: clinical testing. Allele origin: germline. Affected: yes.
Comment: This variant is considered likely benign or benign based on one or more of the following criteria: it is a conservative change, it occurs at a poorly conserved position in the protein, it is predicted to be benign by multiple in silico algorithms, and/or has population frequency not consistent with disease.